The following is an entry in ClinVar:

NM_002500.5(NEUROD1):c.265A>G (p.Lys89Glu)

Gene: NEUROD1 (neuronal differentiation 1; minus strand). Cytogenetic location: 2q31.3.
Variant type: single nucleotide variant.
Coding change: c.265A>G on transcript NM_002500.5 (MANE Select); coding-DNA position 265, A replaced by G.
Protein change: p.Lys89Glu; replaces lysine 89 with glutamic acid.
Molecular consequence: missense variant.
Genome position (GRCh38, 1-based): chr2:181,678,596, T>C on the plus strand (A>G on the coding strand, the complement: NEUROD1 is on the minus strand). VCF-style: chr2-181678596-T-C. GRCh37 (hg19) VCF-style: chr2-182543323-T-C.
Other names: short protein forms K89E.
Identifiers: ClinVar variation 1393573 (VCV001393573.6), dbSNP rs2105595522, ClinGen allele CA349786510.

ClinVar aggregate classification (germline): Uncertain significance (1 of 4 stars; one submission).

Allele frequency attached by ClinVar (database versions not stated): gnomAD exomes below 0.00001.

Submission:

Labcorp Genetics (formerly Invitae), Labcorp
Classification: Uncertain significance. Last evaluated: 2024-06-29. Review status: criteria provided, single submitter. Criteria: Invitae Variant Classification Sherloc (09022015). Collection method: clinical testing. Allele origin: germline.
Comment: This sequence change replaces lysine, which is basic and polar, with glutamic acid, which is acidic and polar, at codon 89 of the NEUROD1 protein (p.Lys89Glu). This variant is not present in population databases (gnomAD no frequency). This variant has not been reported in the literature in individuals affected with NEUROD1-related conditions. ClinVar contains an entry for this variant (Variation ID: 1393573). Advanced modeling of protein sequence and biophysical properties (such as structural, functional, and spatial information, amino acid conservation, physicochemical variation, residue mobility, and thermodynamic stability) performed at Invitae indicates that this missense variant is expected to disrupt NEUROD1 protein function with a positive predictive value of 80%. In summary, the available evidence is currently insufficient to determine the role of this variant in disease. Therefore, it has been classified as a Variant of Uncertain Significance.